The following is an entry in ClinVar:

ClinVar aggregate classification (germline): Uncertain significance (1 of 4 stars; one submission).

Allele frequency attached by ClinVar (database versions not stated): gnomAD 0.00001; ExAC 0.00002; gnomAD exomes 0.00005 and 0.00008; TOPMed 0.00011.
gnomAD v4.1: 116 of 1,604,182 alleles (0.0072%); highest among the groups gnomAD compares: Admixed American, 0.01%; no homozygotes.

Submission:

Labcorp Genetics (formerly Invitae), Labcorp
Classification: Uncertain significance. Last evaluated: 2025-12-22. Review status: criteria provided, single submitter. Criteria: Invitae Variant Classification Sherloc (09022015). Collection method: clinical testing. Allele origin: germline.
Comment: This sequence change replaces valine, which is neutral and non-polar, with alanine, which is neutral and non-polar, at codon 1163 of the KMT2C protein (p.Val1163Ala). This variant is present in population databases (rs754716519, gnomAD 0.008%). This variant has not been reported in the literature in individuals affected with KMT2C-related conditions. ClinVar contains an entry for this variant (Variation ID: 1437155). Invitae Evidence Modeling of protein sequence and biophysical properties (such as structural, functional, and spatial information, amino acid conservation, physicochemical variation, residue mobility, and thermodynamic stability) indicates that this missense variant is not expected to disrupt KMT2C protein function with a negative predictive value of 80%. In summary, the available evidence is currently insufficient to determine the role of this variant in disease. Therefore, it has been classified as a Variant of Uncertain Significance.

NM_170606.3(KMT2C):c.3488T>C (p.Val1163Ala)

Gene: KMT2C (lysine methyltransferase 2C; minus strand). Cytogenetic location: 7q36.1.
Variant type: single nucleotide variant.
Coding change: c.3488T>C on transcript NM_170606.3 (MANE Select); coding-DNA position 3488, T replaced by C.
Protein change: p.Val1163Ala; replaces valine 1163 with alanine.
Molecular consequence: missense variant.
Genome position (GRCh38, 1-based): chr7:152,222,012, A>G on the plus strand (T>C on the coding strand, the complement: KMT2C is on the minus strand). VCF-style: chr7-152222012-A-G. GRCh37 (hg19) VCF-style: chr7-151919097-A-G.
Other names: short protein forms V1163A.
Identifiers: ClinVar variation 1437155 (VCV001437155.8), dbSNP rs754716519, ClinGen allele CA4580810.